The following is an entry in ClinVar:

NM_003001.5(SDHC):c.370C>G (p.Leu124Val)

Gene: SDHC (succinate dehydrogenase complex subunit C; plus strand). Cytogenetic location: 1q23.3.
Variant type: single nucleotide variant.
Coding change: c.370C>G on transcript NM_003001.5 (MANE Select); coding-DNA position 370, C replaced by G.
Protein change: p.Leu124Val; replaces leucine 124 with valine.
Molecular consequence: missense variant. On other transcripts: non-coding transcript variant (1), intron variant (3).
Genome position (GRCh38, 1-based): chr1:161,356,805, C>G. VCF-style: chr1-161356805-C-G. GRCh37 (hg19) VCF-style: chr1-161326595-C-G.
Other names: c.268C>G, p.Leu90Val (NM_001035512.3); c.211C>G, p.Leu71Val (NM_001035513.3); c.490C>G, p.Leu164Val (NM_001407115.1); c.313C>G, p.Leu105Val (NM_001407116.1); c.307C>G, p.Leu103Val (NM_001407117.1); c.262C>G, p.Leu88Val (NM_001407118.1); c.259C>G, p.Leu87Val (NM_001407119.1, NM_001407120.1); c.242-5524C>G (NM_001035511.3); and 2 more; short protein forms L90V, L124V, L71V, L103V, L88V, L164V, L105V, L87V.
Identifiers: ClinVar variation 661449 (VCV000661449.10), dbSNP rs1571890420, ClinGen allele CA343456654.

ClinVar aggregate classification (germline): Uncertain significance. Review status: criteria provided, multiple submitters, no conflicts (2 of 4 stars). 2 submissions from 2 submitters: Uncertain significance (2). Last evaluated 2025-07-16.

Conditions:
Pheochromocytoma/paraganglioma syndrome 3. Also called: SDHC-Related Hereditary Paraganglioma-Pheochromocytoma Syndrome (Paragangliomas 3); SDHC-Related Hereditary Paraganglioma-Pheochromocytoma Syndrome; GLOMUS TUMORS, FAMILIAL, 3; Paragangliomas 3. Identifiers: Orphanet 29072, MedGen C1854336, MONDO:0011544, OMIM 605373.
Gastrointestinal stromal tumor. Also called: Gastrointestinal stromal tumor, somatic; Gastrointestinal stroma tumor. Identifiers: Orphanet 44890, MedGen C0238198, MeSH D046152, MONDO:0011719, OMIM 606764, HP:0100723.
Hereditary cancer-predisposing syndrome. Also called: Neoplastic Syndromes, Hereditary; Tumor predisposition; Hereditary Cancer Syndrome; Hereditary neoplastic syndrome. Identifiers: Orphanet 140162, MedGen C0027672, MeSH D009386, MONDO:0015356.

Submissions (2):

Ambry Genetics
Classification: Uncertain significance for Hereditary cancer-predisposing syndrome. Last evaluated: 2025-07-16. Review status: criteria provided, single submitter. Criteria: Ambry Variant Classification Scheme 2023. Collection method: clinical testing. Allele origin: germline.
Comment: The p.L124V variant (also known as c.370C>G), located in coding exon 5 of the SDHC gene, results from a C to G substitution at nucleotide position 370. The leucine at codon 124 is replaced by valine, an amino acid with highly similar properties. This amino acid position is conserved. In addition, the in silico prediction for this alteration is inconclusive. Since supporting evidence is limited at this time, the clinical significance of this alteration remains unclear.

Labcorp Genetics (formerly Invitae), Labcorp
Classification: Uncertain significance for Pheochromocytoma/paraganglioma syndrome 3; Gastrointestinal stromal tumor. Last evaluated: 2024-06-11. Review status: criteria provided, single submitter. Criteria: Invitae Variant Classification Sherloc (09022015). Collection method: clinical testing. Allele origin: germline.
Comment: This sequence change replaces leucine, which is neutral and non-polar, with valine, which is neutral and non-polar, at codon 124 of the SDHC protein (p.Leu124Val). This variant is not present in population databases (gnomAD no frequency). This variant has not been reported in the literature in individuals affected with SDHC-related conditions. ClinVar contains an entry for this variant (Variation ID: 661449). An algorithm developed to predict the effect of missense changes on protein structure and function (PolyPhen-2) suggests that this variant is likely to be tolerated. In summary, the available evidence is currently insufficient to determine the role of this variant in disease. Therefore, it has been classified as a Variant of Uncertain Significance.